The following is an entry in ClinVar:

NM_004408.4(DNM1):c.87C>A (p.Leu29=)

Genes: CIZ1 (CDKN1A interacting zinc finger protein 1; minus strand), DNM1 (dynamin 1; plus strand). Cytogenetic location: 9q34.11.
Variant type: single nucleotide variant.
Coding change: c.87C>A on transcript NM_004408.4 (MANE Select); coding-DNA position 87, C replaced by A.
Protein change: p.Leu29=; no amino-acid change (leucine 29 retained).
Molecular consequence: synonymous variant. On other transcripts: intron variant (2).
Genome position (GRCh38, 1-based): chr9:128,203,557, C>A. VCF-style: chr9-128203557-C-A. GRCh37 (hg19) VCF-style: chr9-130965836-C-A.
Other names: c.87C>A, p.Leu29= (NM_001005336.3, NM_001288737.2, NM_001288738.2 and 2 more transcripts); c.-6+629G>T (NM_001131015.2, NM_012127.3).
Identifiers: ClinVar variation 1764707 (VCV001764707.6), dbSNP rs944188764, ClinGen allele CA200334518.

ClinVar aggregate classification (germline): Likely benign. Review status: criteria provided, multiple submitters, no conflicts (2 of 4 stars). 2 submissions from 2 submitters: Likely benign (2). Last evaluated 2025-12-01.

Conditions:
Inborn genetic diseases. Identifiers: MedGen C0950123, MeSH D030342.

Submissions (2):

CeGaT Center for Human Genetics Tuebingen
Classification: Likely benign. Last evaluated: 2025-12-01. Review status: criteria provided, single submitter. Criteria: CeGaT Center For Human Genetics Tuebingen Variant Classification Criteria Version 2. Collection method: clinical testing. Allele origin: germline. Affected: yes. Observed: 1 variant allele.
Comment: DNM1: PM2:Supporting, BP4, BP7

Ambry Genetics
Classification: Likely benign for Inborn genetic diseases. Last evaluated: 2020-03-10. Review status: criteria provided, single submitter. Criteria: Ambry Variant Classification Scheme 2023. Collection method: clinical testing. Allele origin: germline.